The following is an entry in ClinVar:

NM_016098.4(MPC1):c.268G>A (p.Ala90Thr)

Gene: MPC1 (mitochondrial pyruvate carrier 1; minus strand). Cytogenetic location: 6q27.
Variant type: single nucleotide variant.
Coding change: c.268G>A on transcript NM_016098.4 (MANE Select); coding-DNA position 268, G replaced by A.
Protein change: p.Ala90Thr; replaces alanine 90 with threonine.
Molecular consequence: missense variant. On other transcripts: 3 prime UTR variant (1), non-coding transcript variant (4).
Genome position (GRCh38, 1-based): chr6:166,366,011, C>T on the plus strand (G>A on the coding strand, the complement: MPC1 is on the minus strand). VCF-style: chr6-166366011-C-T. GRCh37 (hg19) VCF-style: chr6-166779499-C-T.
Other names: c.139G>A, p.Ala47Thr (NM_001270879.2, NM_001376565.1, NM_001376566.1 and 2 more transcripts); c.*5G>A (NM_001376569.1); short protein forms A47T, A90T.
Identifiers: ClinVar variation 3361789 (VCV003361789.1).

ClinVar aggregate classification (germline): Uncertain significance (1 of 4 stars; one submission).

gnomAD v4.1: 10 of 1,613,920 alleles (0.00062%); highest among the groups gnomAD compares: South Asian, 0.0011%; no homozygotes.

Submission:

GeneDx
Classification: Uncertain significance. Last evaluated: 2023-08-03. Review status: criteria provided, single submitter. Criteria: GeneDx Variant Classification Process June 2021. Collection method: clinical testing. Allele origin: germline. Affected: yes.
Comment: Not observed at significant frequency in large population cohorts (gnomAD); In silico analysis supports that this missense variant has a deleterious effect on protein structure/function; Has not been previously published as pathogenic or benign to our knowledge